The following is an entry in ClinVar:

ClinVar aggregate classification (germline): Uncertain significance. Review status: criteria provided, multiple submitters, no conflicts (2 of 4 stars). 2 submissions from 2 submitters: Uncertain significance (2). Last evaluated 2025-02-15.

Conditions:
Inborn genetic diseases. Identifiers: MedGen C0950123, MeSH D030342.

Allele frequency attached by ClinVar (database versions not stated): ExAC 0.00002; gnomAD exomes 0.00003; TOPMed 0.00004; gnomAD 0.00005.
gnomAD v4.1: 43 of 1,613,914 alleles (0.0027%); highest among the groups gnomAD compares: Non-Finnish European, 0.0036%; no homozygotes.

Submissions (2):

Ambry Genetics
Classification: Uncertain significance for Inborn genetic diseases. Last evaluated: 2025-02-15. Review status: criteria provided, single submitter. Criteria: Ambry Variant Classification Scheme 2023. Collection method: clinical testing. Allele origin: germline.

Labcorp Genetics (formerly Invitae), Labcorp
Classification: Uncertain significance. Last evaluated: 2021-10-21. Review status: criteria provided, single submitter. Criteria: Invitae Variant Classification Sherloc (09022015). Collection method: clinical testing. Allele origin: germline.
Comment: This sequence change replaces aspartic acid with asparagine at codon 480 of the CYP11B1 protein (p.Asp480Asn). The aspartic acid residue is highly conserved and there is a small physicochemical difference between aspartic acid and asparagine. This variant is present in population databases (rs772473932, ExAC 0.004%). This variant has not been reported in the literature in individuals with CYP11B1-related conditions. Algorithms developed to predict the effect of missense changes on protein structure and function are either unavailable or do not agree on the potential impact of this missense change (SIFT: "Deleterious"; PolyPhen-2: "Probably Damaging"; Align-GVGD: "Class C0"). In summary, the available evidence is currently insufficient to determine the role of this variant in disease. Therefore, it has been classified as a Variant of Uncertain Significance.

NM_000497.4(CYP11B1):c.1438G>A (p.Asp480Asn)

Genes: CYP11B1 (cytochrome P450 family 11 subfamily B member 1; minus strand), LOC106799833 (CYP11B1 recombination region; plus strand). Cytogenetic location: 8q24.3.
Variant type: single nucleotide variant.
Coding change: c.1438G>A on transcript NM_000497.4 (MANE Select); coding-DNA position 1438, G replaced by A.
Protein change: p.Asp480Asn; replaces aspartic acid 480 with asparagine.
Molecular consequence: missense variant.
Genome position (GRCh38, 1-based): chr8:142,874,447, C>T on the plus strand (G>A on the coding strand, the complement: CYP11B1 is on the minus strand). VCF-style: chr8-142874447-C-T. GRCh37 (hg19) VCF-style: chr8-143955863-C-T.
Other names: c.1240G>A, p.Asp414Asn (NM_001026213.1); c.1438G>A (NM_000497.3); short protein forms D414N, D480N.
Identifiers: ClinVar variation 2065015 (VCV002065015.2), dbSNP rs772473932, ClinGen allele CA4904952.